The following is an entry in ClinVar:

NM_022081.6(HPS4):c.184C>T (p.Arg62Cys)

Gene: HPS4 (HPS4 biogenesis of lysosomal organelles complex 3 subunit 2; minus strand). Cytogenetic location: 22q12.1.
Variant type: single nucleotide variant.
Coding change: c.184C>T on transcript NM_022081.6 (MANE Select); coding-DNA position 184, C replaced by T.
Protein change: p.Arg62Cys; replaces arginine 62 with cysteine.
Molecular consequence: missense variant. On other transcripts: non-coding transcript variant (8).
Genome position (GRCh38, 1-based): chr22:26,477,085, G>A on the plus strand (C>T on the coding strand, the complement: HPS4 is on the minus strand). VCF-style: chr22-26477085-G-A. GRCh37 (hg19) VCF-style: chr22-26873051-G-A.
Other names: c.184C>T (NM_022081.4); c.184C>T, p.Arg62Cys (NM_001349896.1, NM_001349898.2, NM_001349899.2 and 6 more transcripts); c.169C>T, p.Arg57Cys (NM_152841.2); short protein forms R62C, R57C.
Identifiers: ClinVar variation 1366933 (VCV001366933.9), dbSNP rs149126501, ClinGen allele CA10163797.

ClinVar aggregate classification (germline): Uncertain significance. Review status: criteria provided, multiple submitters, no conflicts (2 of 4 stars). 4 submissions from 4 submitters: Uncertain significance (4). Last evaluated 2025-11-08.

Conditions:
Inborn genetic diseases. Identifiers: MedGen C0950123, MeSH D030342.

Allele frequency attached by ClinVar (database versions not stated): ExAC 0.00002; gnomAD exomes 0.00003 and 0.00004; gnomAD 0.00005 and 0.00006; ESP Exome Variant Server 0.00008; TOPMed 0.00010; 1000 Genomes Project 30x 0.00031; 1000 Genomes Project 0.00040.
gnomAD v4.1: 61 of 1,614,054 alleles (0.0038%); highest among the groups gnomAD compares: African/African-American, 0.015%; no homozygotes.

Submissions (4):

Ambry Genetics
Classification: Uncertain significance for Inborn genetic diseases. Last evaluated: 2025-11-08. Review status: criteria provided, single submitter. Criteria: Ambry Variant Classification Scheme 2023. Collection method: clinical testing. Allele origin: germline.

Women's Health and Genetics/Laboratory Corporation of America, LabCorp
Classification: Uncertain significance. Last evaluated: 2025-03-28. Review status: criteria provided, single submitter. Criteria: LabCorp Variant Classification Summary - May 2015. Collection method: clinical testing. Allele origin: germline.
Comment: Variant summary: HPS4 c.184C>T (p.Arg62Cys) results in a non-conservative amino acid change in the encoded protein sequence. Four of five in-silico tools predict a damaging effect of the variant on protein function. The variant allele was found at a frequency of 3.2e-05 in 251470 control chromosomes (gnomAD). The available data on variant occurrences in the general population are insufficient to allow any conclusion about variant significance. To our knowledge, no occurrence of c.184C>T in individuals affected with Hermansky-Pudlak Syndrome and no experimental evidence demonstrating its impact on protein function have been reported. ClinVar contains an entry for this variant (Variation ID: 1366933). Based on the evidence outlined above, the variant was classified as uncertain significance.

Blueprint Genetics
Classification: Uncertain significance. Last evaluated: 2023-12-05. Review status: criteria provided, single submitter. Criteria: ACMG Guidelines, 2015. Collection method: clinical testing. Allele origin: germline.

Labcorp Genetics (formerly Invitae), Labcorp
Classification: Uncertain significance. Last evaluated: 2021-08-31. Review status: criteria provided, single submitter. Criteria: Invitae Variant Classification Sherloc (09022015). Collection method: clinical testing. Allele origin: germline.
Comment: This sequence change replaces arginine with cysteine at codon 62 of the HPS4 protein (p.Arg62Cys). The arginine residue is highly conserved and there is a large physicochemical difference between arginine and cysteine. This variant is present in population databases (rs149126501, ExAC 0.02%). This variant has not been reported in the literature in individuals affected with HPS4-related conditions. Algorithms developed to predict the effect of missense changes on protein structure and function (SIFT, PolyPhen-2, Align-GVGD) all suggest that this variant is likely to be disruptive. In summary, the available evidence is currently insufficient to determine the role of this variant in disease. Therefore, it has been classified as a Variant of Uncertain Significance.